The following is an entry in ClinVar:

NM_006486.3(FBLN1):c.311C>T (p.Thr104Ile)

Gene: FBLN1 (fibulin 1; plus strand). Cytogenetic location: 22q13.31.
Variant type: single nucleotide variant.
Coding change: c.311C>T on transcript NM_006486.3 (MANE Select); coding-DNA position 311, C replaced by T.
Protein change: p.Thr104Ile; replaces threonine 104 with isoleucine.
Molecular consequence: missense variant.
Genome position (GRCh38, 1-based): chr22:45,525,668, C>T. VCF-style: chr22-45525668-C-T. GRCh37 (hg19) VCF-style: chr22-45921548-C-T.
Other names: c.311C>T, p.Thr104Ile (NM_001996.4, NM_006485.4, NM_006487.3); short protein forms T104I.
Identifiers: ClinVar variation 3685015 (VCV003685015.2).

ClinVar aggregate classification (germline): Uncertain significance (1 of 4 stars; one submission).

gnomAD v4.1: 3 of 1,551,500 alleles (0.00019%); highest among the groups gnomAD compares: Admixed American, 0.002%; no homozygotes.

Submission:

Labcorp Genetics (formerly Invitae), Labcorp
Classification: Uncertain significance. Last evaluated: 2024-03-29. Review status: criteria provided, single submitter. Criteria: Invitae Variant Classification Sherloc (09022015). Collection method: clinical testing. Allele origin: germline.
Comment: This sequence change replaces threonine, which is neutral and polar, with isoleucine, which is neutral and non-polar, at codon 104 of the FBLN1 protein (p.Thr104Ile). The frequency data for this variant in the population databases is considered unreliable, as metrics indicate poor data quality at this position in the gnomAD database. This variant has not been reported in the literature in individuals affected with FBLN1-related conditions. Algorithms developed to predict the effect of missense changes on protein structure and function output the following: SIFT: "Not Available"; PolyPhen-2: "Benign"; Align-GVGD: "Not Available". The isoleucine amino acid residue is found in multiple mammalian species, which suggests that this missense change does not adversely affect protein function. In summary, the available evidence is currently insufficient to determine the role of this variant in disease. Therefore, it has been classified as a Variant of Uncertain Significance.